The following is an entry in ClinVar:

ClinVar aggregate classification (germline): Uncertain significance. Review status: criteria provided, multiple submitters, no conflicts (2 of 4 stars). 2 submissions from 2 submitters: Uncertain significance (2). Last evaluated 2026-04-04.

Conditions:
Inborn genetic diseases. Identifiers: MedGen C0950123, MeSH D030342.

Submissions (2):

Ambry Genetics
Classification: Uncertain significance for Inborn genetic diseases. Last evaluated: 2026-04-04. Review status: criteria provided, single submitter. Criteria: Ambry Variant Classification Scheme 2023. Collection method: clinical testing. Allele origin: germline.
Comment: The p.L1474V variant (also known as c.4420C>G), located in coding exon 13 of the ASXL1 gene, results from a C to G substitution at nucleotide position 4420. The leucine at codon 1474 is replaced by valine, an amino acid with highly similar properties. This amino acid position is conserved. In addition, this alteration is predicted to be tolerated by in silico analysis. Based on the available evidence, the clinical significance of this variant remains unclear.

Labcorp Genetics (formerly Invitae), Labcorp
Classification: Uncertain significance. Last evaluated: 2025-03-30. Review status: criteria provided, single submitter. Criteria: Invitae Variant Classification Sherloc (09022015). Collection method: clinical testing. Allele origin: germline.
Comment: This sequence change replaces leucine, which is neutral and non-polar, with valine, which is neutral and non-polar, at codon 1474 of the ASXL1 protein (p.Leu1474Val). This variant is not present in population databases (gnomAD no frequency). This variant has not been reported in the literature in individuals affected with ASXL1-related conditions. An algorithm developed to predict the effect of missense changes on protein structure and function (PolyPhen-2) suggests that this variant is likely to be disruptive. In summary, the available evidence is currently insufficient to determine the role of this variant in disease. Therefore, it has been classified as a Variant of Uncertain Significance.

NM_015338.6(ASXL1):c.4420C>G (p.Leu1474Val)

Gene: ASXL1 (ASXL transcriptional regulator 1; plus strand). Cytogenetic location: 20q11.21.
Variant type: single nucleotide variant.
Coding change: c.4420C>G on transcript NM_015338.6 (MANE Select); coding-DNA position 4420, C replaced by G.
Protein change: p.Leu1474Val; replaces leucine 1474 with valine.
Molecular consequence: missense variant.
Genome position (GRCh38, 1-based): chr20:32,437,132, C>G. VCF-style: chr20-32437132-C-G. GRCh37 (hg19) VCF-style: chr20-31024935-C-G.
Other names: c.4237C>G, p.Leu1413Val (NM_001363734.1); short protein forms L1413V, L1474V.
Identifiers: ClinVar variation 4694861 (VCV004694861.2).